The following is an entry in ClinVar:

ClinVar aggregate classification (germline): Uncertain significance (1 of 4 stars; one submission).

Conditions:
Cardiovascular phenotype. Identifiers: MedGen CN230736.

Submission:

Ambry Genetics
Classification: Uncertain significance for Cardiovascular phenotype. Last evaluated: 2026-04-27. Review status: criteria provided, single submitter. Criteria: Ambry Variant Classification Scheme 2023. Collection method: clinical testing. Allele origin: germline.
Comment: The p.P1254L variant (also known as c.3761C>T), located in coding exon 9 of the TNXB gene, results from a C to T substitution at nucleotide position 3761. The proline at codon 1254 is replaced by leucine, an amino acid with similar properties. This amino acid position is conserved. In addition, this alteration is predicted to be tolerated by in silico analysis. Based on the available evidence, the clinical significance of this variant remains unclear.

NM_001365276.2(TNXB):c.3761C>T (p.Pro1254Leu)

Gene: TNXB (tenascin XB; minus strand). Cytogenetic location: 6p21.33.
Variant type: single nucleotide variant.
Coding change: c.3761C>T on transcript NM_001365276.2 (MANE Select); coding-DNA position 3761, C replaced by T.
Protein change: p.Pro1254Leu; replaces proline 1254 with leucine.
Molecular consequence: missense variant.
Genome position (GRCh38, 1-based): chr6:32,081,649, G>A on the plus strand (C>T on the coding strand, the complement: TNXB is on the minus strand). VCF-style: chr6-32081649-G-A. GRCh37 (hg19) VCF-style: chr6-32049426-G-A.
Other names: c.4502C>T, p.Pro1501Leu (NM_001428335.1); c.3761C>T, p.Pro1254Leu (NM_019105.8); short protein forms P1254L, P1501L.
Identifiers: ClinVar variation 4865821 (VCV004865821.1).